The following is an entry in ClinVar:

ClinVar aggregate classification (germline): Uncertain significance. Review status: criteria provided, multiple submitters, no conflicts (2 of 4 stars). 2 submissions from 2 submitters: Uncertain significance (2). Last evaluated 2026-02-13.

Conditions:
X-linked myopathy with postural muscle atrophy. Also called: FHL1-Related Emery-Dreifuss Muscular Dystrophy, X-Linked. Identifiers: Orphanet 178461, MedGen C2678055, MONDO:0010401, OMIM 300696.
Cardiovascular phenotype. Identifiers: MedGen CN230736.

gnomAD v4.1: 1 of 1,212,361 alleles (0.000082%); highest among the groups gnomAD compares: South Asian, 0.0018%; no homozygotes.

Submissions (2):

Ambry Genetics
Classification: Uncertain significance for Cardiovascular phenotype. Last evaluated: 2026-02-13. Review status: criteria provided, single submitter. Criteria: Ambry Variant Classification Scheme 2023. Collection method: clinical testing. Allele origin: germline.
Comment: The p.K167R variant (also known as c.500A>G), located in coding exon 3 of the FHL1 gene, results from an A to G substitution at nucleotide position 500. The lysine at codon 167 is replaced by arginine, an amino acid with highly similar properties. This amino acid position is conserved. In addition, the in silico prediction for this alteration is inconclusive. Based on data from gnomAD, the G allele has an overall frequency of 0.0005% (1/183061) total alleles studied, with 1 hemizygote(s) observed. The highest observed frequency was 0.0221% (1/4527) of Other alleles. Based on the available evidence, the clinical significance of this variant remains unclear.

Labcorp Genetics (formerly Invitae), Labcorp
Classification: Uncertain significance for X-linked myopathy with postural muscle atrophy. Last evaluated: 2024-09-02. Review status: criteria provided, single submitter. Criteria: Invitae Variant Classification Sherloc (09022015). Collection method: clinical testing. Allele origin: germline.
Comment: This sequence change replaces lysine, which is basic and polar, with arginine, which is basic and polar, at codon 167 of the FHL1 protein (p.Lys167Arg). This variant is present in population databases (rs778371222, gnomAD 0.005%). This variant has not been reported in the literature in individuals affected with FHL1-related conditions. An algorithm developed to predict the effect of missense changes on protein structure and function (PolyPhen-2) suggests that this variant is likely to be disruptive. In summary, the available evidence is currently insufficient to determine the role of this variant in disease. Therefore, it has been classified as a Variant of Uncertain Significance.

NM_001159699.2(FHL1):c.548A>G (p.Lys183Arg)

Gene: FHL1 (four and a half LIM domains 1; plus strand). Cytogenetic location: Xq26.3.
Variant type: single nucleotide variant.
Coding change: c.548A>G on transcript NM_001159699.2 (MANE Select); coding-DNA position 548, A replaced by G.
Protein change: p.Lys183Arg; replaces lysine 183 with arginine.
Molecular consequence: missense variant. On other transcripts: non-coding transcript variant (1).
Genome position (GRCh38, 1-based): chrX:136,207,960, A>G. VCF-style: chrX-136207960-A-G. GRCh37 (hg19) VCF-style: chrX-135290119-A-G.
Other names: c.500A>G, p.Lys167Arg (NM_001159700.2, NM_001159702.3, NM_001159703.2 and 9 more transcripts); c.587A>G, p.Lys196Arg (NM_001159701.2); c.548A>G, p.Lys183Arg (NM_001330659.2); short protein forms K167R, K183R, K196R.
Identifiers: ClinVar variation 3515261 (VCV003515261.4).